The following is an entry in ClinVar:

ClinVar aggregate classification (germline): Benign/Likely benign. Review status: criteria provided, multiple submitters, no conflicts (2 of 4 stars). 6 submissions from 6 submitters: Benign (2); Likely benign (3). 1 of the submissions does not count toward it. Last evaluated 2026-06-01.

Conditions:
SMARCA2-related disorder. Also called: SMARCA2-related condition.
Inborn genetic diseases. Identifiers: MedGen C0950123, MeSH D030342.

Allele frequency attached by ClinVar (database versions not stated): ESP Exome Variant Server 0.00015; 1000 Genomes Project 30x 0.00016; gnomAD 0.00016; 1000 Genomes Project 0.00020; TOPMed 0.00020; ExAC 0.00041; gnomAD exomes 0.00047.

Submissions (6):

CeGaT Center for Human Genetics Tuebingen
Classification: Likely benign. Last evaluated: 2026-06-01. Review status: criteria provided, single submitter. Criteria: CeGaT Center For Human Genetics Tuebingen Variant Classification Criteria Version 2. Collection method: clinical testing. Allele origin: germline. Affected: yes. Observed: 3 variant alleles.
Comment: SMARCA2: BP4, BS1

Labcorp Genetics (formerly Invitae), Labcorp
Classification: Benign. Last evaluated: 2025-12-02. Review status: criteria provided, single submitter. Criteria: Invitae Variant Classification Sherloc (09022015). Collection method: clinical testing. Allele origin: germline.

Blueprint Genetics
Classification: Likely benign. Last evaluated: 2022-09-28. Review status: criteria provided, single submitter. Criteria: ACMG Guidelines, 2015. Collection method: clinical testing. Allele origin: germline.

GeneDx
Classification: Benign. Last evaluated: 2020-03-05. Review status: criteria provided, single submitter. Criteria: GeneDx Variant Classification Process June 2021. Collection method: clinical testing. Allele origin: germline. Affected: yes.

Ambry Genetics
Classification: Likely benign for Inborn genetic diseases. Last evaluated: 2017-09-20. Review status: criteria provided, single submitter. Criteria: Ambry Variant Classification Scheme 2023. Collection method: clinical testing. Allele origin: germline.

PreventionGenetics, part of Exact Sciences
Classification: Likely benign for SMARCA2-related condition. Last evaluated: 2019-03-21. Review status: no assertion criteria provided. Collection method: clinical testing. Allele origin: germline. Not counted in ClinVar's aggregate classification.
Comment: This variant is classified as likely benign based on ACMG/AMP sequence variant interpretation guidelines (Richards et al. 2015 PMID: 25741868, with internal and published modifications).

NM_003070.5(SMARCA2):c.4200-4G>A

Gene: SMARCA2 (SWI/SNF related BAF chromatin remodeling complex subunit ATPase 2; plus strand). Cytogenetic location: 9p24.3.
Variant type: single nucleotide variant.
Coding change: c.4200-4G>A on transcript NM_003070.5 (MANE Select); 4 bases into the intron before coding-DNA position 4200, G replaced by A.
Molecular consequence: intron variant.
Genome position (GRCh38, 1-based): chr9:2,170,415, G>A. VCF-style: chr9-2170415-G-A. GRCh37 (hg19) VCF-style: chr9-2170415-G-A.
Other names: c.4199+8512G>A (NM_139045.4); c.4025+8512G>A (NM_001289397.2); c.4200-4G>A (NM_001289396.2); c.227+8512G>A (NM_001289398.2); c.317+8512G>A (NM_001289400.2); c.311+8512G>A (NM_001289399.2).
Identifiers: ClinVar variation 588141 (VCV000588141.37), dbSNP rs190182277, ClinGen allele CA4964056.